The following is an entry in ClinVar:

NM_177438.3(DICER1):c.2725A>G (p.Ile909Val)

Gene: DICER1 (dicer 1, ribonuclease III; minus strand). Cytogenetic location: 14q32.13.
Variant type: single nucleotide variant.
Coding change: c.2725A>G on transcript NM_177438.3 (MANE Select); coding-DNA position 2725, A replaced by G.
Protein change: p.Ile909Val; replaces isoleucine 909 with valine.
Molecular consequence: missense variant.
Genome position (GRCh38, 1-based): chr14:95,107,687, T>C on the plus strand (A>G on the coding strand, the complement: DICER1 is on the minus strand). VCF-style: chr14-95107687-T-C. GRCh37 (hg19) VCF-style: chr14-95574024-T-C.
Other names: c.2725A>G, p.Ile909Val (NM_001195573.1, NM_001271282.3, NM_001291628.2 and 1 more transcripts); short protein forms I909V.
Identifiers: ClinVar variation 575132 (VCV000575132.16), dbSNP rs1167073557, ClinGen allele CA390879577.

ClinVar aggregate classification (germline): Conflicting classifications of pathogenicity. Review status: criteria provided, conflicting classifications (1 of 4 stars). 3 submissions from 3 submitters: Uncertain significance (2); Likely benign (1). Last evaluated 2025-06-29.

Conditions:
Hereditary cancer-predisposing syndrome. Also called: Hereditary neoplastic syndrome; Tumor predisposition; Hereditary Cancer Syndrome; Neoplastic Syndromes, Hereditary. Identifiers: Orphanet 140162, MedGen C0027672, MeSH D009386, MONDO:0015356.
Global developmental delay - lung cysts - overgrowth - Wilms tumor syndrome. Also called: GLOW Syndrome; GLOBAL DEVELOPMENTAL DELAY, LUNG CYSTS, OVERGROWTH, AND WILMS TUMOR. Identifiers: Orphanet 404476, MedGen C4748924, MONDO:0018445, OMIM 618272.
DICER1-related tumor predisposition. Also called: DICER1 syndrome; DICER1-related pleuropulmonary blastoma cancer predisposition syndrome. Identifiers: Orphanet 284343, MedGen C3839822, MONDO:0100216.

Allele frequency attached by ClinVar (database versions not stated): gnomAD exomes below 0.00001; TOPMed below 0.00001; gnomAD 0.00001.
gnomAD v4.1: 4 of 1,613,208 alleles (0.00025%); highest among the groups gnomAD compares: African/African-American, 0.004%; no homozygotes.

Submissions (3):

Labcorp Genetics (formerly Invitae), Labcorp
Classification: Uncertain significance for DICER1-related tumor predisposition. Last evaluated: 2025-06-29. Review status: criteria provided, single submitter. Criteria: Invitae Variant Classification Sherloc (09022015). Collection method: clinical testing. Allele origin: germline.
Comment: This sequence change replaces isoleucine, which is neutral and non-polar, with valine, which is neutral and non-polar, at codon 909 of the DICER1 protein (p.Ile909Val). This variant is not present in population databases (gnomAD no frequency). This variant has not been reported in the literature in individuals affected with DICER1-related conditions. ClinVar contains an entry for this variant (Variation ID: 575132). Invitae Evidence Modeling of protein sequence and biophysical properties (such as structural, functional, and spatial information, amino acid conservation, physicochemical variation, residue mobility, and thermodynamic stability) indicates that this missense variant is not expected to disrupt DICER1 protein function with a negative predictive value of 95%. In summary, the available evidence is currently insufficient to determine the role of this variant in disease. Therefore, it has been classified as a Variant of Uncertain Significance.

Ambry Genetics
Classification: Likely benign for Hereditary cancer-predisposing syndrome. Last evaluated: 2023-12-13. Review status: criteria provided, single submitter. Criteria: Ambry Variant Classification Scheme 2023. Collection method: clinical testing. Allele origin: germline.

Baylor Genetics
Classification: Uncertain significance for Global developmental delay - lung cysts - overgrowth - Wilms tumor syndrome. Last evaluated: 2023-11-17. Review status: criteria provided, single submitter. Criteria: ACMG Guidelines, 2015. Collection method: clinical testing. Allele origin: unknown.